The following is an entry in ClinVar:

ClinVar aggregate classification (germline): Uncertain significance (1 of 4 stars; one submission).

Conditions:
Klippel-Feil anomaly-myopathy-facial dysmorphism syndrome. Also called: Klippel-feil syndrome 4, autosomal recessive, with nemaline myopathy and facial dysmorphism; Klippel-Feil syndrome 4, autosomal recessive, with myopathy and facial dysmorphism. Identifiers: Orphanet 447974, MedGen C4225285, MONDO:0014689, OMIM 616549.

gnomAD v4.1: 2 of 1,613,238 alleles (0.00012%); highest among the groups gnomAD compares: South Asian, 0.0011%; no homozygotes.

Submission:

Juno Genomics, Hangzhou Juno Genomics, Inc
Classification: Uncertain significance for Klippel-Feil anomaly-myopathy-facial dysmorphism syndrome. Review status: criteria provided, single submitter. Criteria: ACMG Guidelines, 2015. Collection method: clinical testing. Allele origin: germline. Affected: yes.
Comment: Absent from controls (or at extremely low frequency if recessive) in Genome Aggregation Database, Exome Sequencing Project, 1000 Genomes Project, or Exome Aggregation Consortium.;For recessive disorders, detected in trans with a pathogenic variant.

NM_032608.7(MYO18B):c.39+5G>T

Gene: MYO18B (myosin XVIIIB; plus strand). Cytogenetic location: 22q12.1.
Variant type: single nucleotide variant.
Coding change: c.39+5G>T on transcript NM_032608.7 (MANE Select); 5 bases into the intron after coding-DNA position 39, G replaced by T.
Molecular consequence: intron variant.
Genome position (GRCh38, 1-based): chr22:25,761,136, G>T. VCF-style: chr22-25761136-G-T. GRCh37 (hg19) VCF-style: chr22-26157103-G-T.
Other names: c.39+5G>T (NM_001318245.2).
Identifiers: ClinVar variation 3382539 (VCV003382539.2).